The following is an entry in ClinVar:

ClinVar aggregate classification (germline): Benign. Review status: criteria provided, multiple submitters, no conflicts (2 of 4 stars). 7 submissions from 2 submitters: Benign (7). Last evaluated 2021-05-14.

Conditions:
Retinitis pigmentosa (RP). Identifiers: Orphanet 791, MedGen C0035334, MeSH D012174, MONDO:0019200, OMIM 268000. Inheritance: Autosomal dominant, autosomal recessive and X linked inheritance.
Choroidal dystrophy, central areolar 2 (CACD2). Also called: MACULAR DYSTROPHY, PROGRESSIVE; Choriodal Dystrophy, Central Areolar 2. Identifiers: Orphanet 75377, MedGen C2751290, MONDO:0013137, OMIM 613105.
Pigmentary retinal dystrophy. Also called: Fundus albipunctatus. Identifiers: Orphanet 227796, Orphanet 52427, MedGen C0311338, MONDO:0007639, OMIM 136880, HP:0030642.
Cone-rod dystrophy. Also called: Cone/cone-rod dystrophy; Cone-rod degeneration. Identifiers: Orphanet 1872, MedGen C4085590, MONDO:0015993, HP:0000548.
Patterned macular dystrophy 1. Also called: BUTTERFLY DYSTROPHY OF RETINAL PIGMENT EPITHELIUM; MACULAR DYSTROPHY, BUTTERFLY-SHAPED PIGMENTARY. Identifiers: Orphanet 99001, MedGen C4551999, MONDO:0008210, OMIM 169150.
Adult-onset foveomacular vitelliform dystrophy. Also called: FOVEOMACULAR DYSTROPHY, ADULT-ONSET; FOVEOMACULAR DYSTROPHY, ADULT-ONSET, WITH OR WITHOUT CHOROIDAL NEOVASCULARIZATION; Adult onset vitelliform dystrophy. Identifiers: Orphanet 99000, MedGen C1842914, MONDO:0011979.

Allele frequency attached by ClinVar (database versions not stated): gnomAD exomes 0.64286; 1000 Genomes Project 0.75140; 1000 Genomes Project 30x 0.75141; TOPMed 0.76443; gnomAD 0.77145 and 0.77180.

Submissions (7):

GeneDx
Classification: Benign. Last evaluated: 2021-05-14. Review status: criteria provided, single submitter. Criteria: GeneDx Variant Classification Process June 2021. Collection method: clinical testing. Allele origin: germline. Affected: yes.

Illumina Laboratory Services, Illumina
Classification: Benign for Pigmentary retinal dystrophy. Last evaluated: 2018-01-12. Review status: criteria provided, single submitter. Criteria: ICSL Variant Classification Criteria 13 December 2019. Collection method: clinical testing. Allele origin: germline.
Comment: This variant was observed in the ICSL laboratory as part of a predisposition screen in an ostensibly healthy population. It had not been previously curated by ICSL or reported in the Human Gene Mutation Database (HGMD: prior to June 1st, 2018), and was therefore a candidate for classification through an automated scoring system. Utilizing variant allele frequency, disease prevalence and penetrance estimates, and inheritance mode, an automated score was calculated to assess if this variant is too frequent to cause the disease. Based on the score and internal cut-off values, a variant classified as benign is not then subjected to further curation. The score for this variant resulted in a classification of benign for this disease.

Illumina Laboratory Services, Illumina
Classification: Benign for Retinitis pigmentosa. Last evaluated: 2018-01-12. Review status: criteria provided, single submitter. Criteria: ICSL Variant Classification Criteria 13 December 2019. Collection method: clinical testing. Allele origin: germline.
Comment: the same text as in the submission from Illumina Laboratory Services, Illumina above.

Illumina Laboratory Services, Illumina
Classification: Benign for Choroidal dystrophy, central areolar 2. Last evaluated: 2018-01-12. Review status: criteria provided, single submitter. Criteria: ICSL Variant Classification Criteria 13 December 2019. Collection method: clinical testing. Allele origin: germline.
Comment: the same text as in the submission from Illumina Laboratory Services, Illumina above.

Illumina Laboratory Services, Illumina
Classification: Benign for Vitelliform macular dystrophy 3. Last evaluated: 2018-01-12. Review status: criteria provided, single submitter. Criteria: ICSL Variant Classification Criteria 13 December 2019. Collection method: clinical testing. Allele origin: germline.
Comment: the same text as in the submission from Illumina Laboratory Services, Illumina above.

Illumina Laboratory Services, Illumina
Classification: Benign for Patterned macular dystrophy 1. Last evaluated: 2018-01-12. Review status: criteria provided, single submitter. Criteria: ICSL Variant Classification Criteria 13 December 2019. Collection method: clinical testing. Allele origin: germline.
Comment: the same text as in the submission from Illumina Laboratory Services, Illumina above.

Illumina Laboratory Services, Illumina
Classification: Benign for Cone-rod dystrophy. Last evaluated: 2018-01-12. Review status: criteria provided, single submitter. Criteria: ICSL Variant Classification Criteria 13 December 2019. Collection method: clinical testing. Allele origin: germline.
Comment: the same text as in the submission from Illumina Laboratory Services, Illumina above.

NM_000322.5(PRPH2):c.*1375C>T

Gene: PRPH2 (peripherin 2; minus strand). Cytogenetic location: 6p21.1.
Variant type: single nucleotide variant.
Coding change: c.*1375C>T on transcript NM_000322.5 (MANE Select); 1375 bases downstream of the stop codon, C replaced by T.
Molecular consequence: 3 prime UTR variant.
Genome position (GRCh38, 1-based): chr6:42,696,920, G>A on the plus strand (C>T on the coding strand, the complement: PRPH2 is on the minus strand). VCF-style: chr6-42696920-G-A. GRCh37 (hg19) VCF-style: chr6-42664658-G-A.
Identifiers: ClinVar variation 356749 (VCV000356749.8), dbSNP rs405043, ClinGen allele CA10623898.